The following is an entry in ClinVar:

NM_013275.6(ANKRD11):c.5351C>T (p.Ser1784Phe)

Gene: ANKRD11 (ankyrin repeat domain 11; minus strand). Cytogenetic location: 16q24.3.
Variant type: single nucleotide variant.
Coding change: c.5351C>T on transcript NM_013275.6 (MANE Select); coding-DNA position 5351, C replaced by T.
Protein change: p.Ser1784Phe; replaces serine 1784 with phenylalanine.
Molecular consequence: missense variant.
Genome position (GRCh38, 1-based): chr16:89,281,191, G>A on the plus strand (C>T on the coding strand, the complement: ANKRD11 is on the minus strand). VCF-style: chr16-89281191-G-A. GRCh37 (hg19) VCF-style: chr16-89347599-G-A.
Other names: c.5351C>T, p.Ser1784Phe (NM_001256182.2, NM_001256183.2); short protein forms S1784F.
Identifiers: ClinVar variation 661384 (VCV000661384.11), dbSNP rs751323481, ClinGen allele CA8241868.

ClinVar aggregate classification (germline): Uncertain significance. Review status: criteria provided, multiple submitters, no conflicts (2 of 4 stars). 2 submissions from 2 submitters: Uncertain significance (2). Last evaluated 2025-09-25.

Conditions:
Inborn genetic diseases. Identifiers: MedGen C0950123, MeSH D030342.
KBG syndrome (KBGS). Also called: ANKRD11-Related KBG Syndrome. Identifiers: Orphanet 2332, MedGen C0220687, MONDO:0007846, OMIM 148050.

Allele frequency attached by ClinVar (database versions not stated): gnomAD 0.00001.
gnomAD v4.1: 33 of 1,614,078 alleles (0.002%); highest among the groups gnomAD compares: Non-Finnish European, 0.0028%; no homozygotes.

Submissions (2):

Ambry Genetics
Classification: Uncertain significance for Inborn genetic diseases. Last evaluated: 2025-09-25. Review status: criteria provided, single submitter. Criteria: Ambry Variant Classification Scheme 2023. Collection method: clinical testing. Allele origin: germline.

Labcorp Genetics (formerly Invitae), Labcorp
Classification: Uncertain significance for KBG syndrome. Last evaluated: 2018-09-10. Review status: criteria provided, single submitter. Criteria: Invitae Variant Classification Sherloc (09022015). Collection method: clinical testing. Allele origin: germline.
Comment: This sequence change replaces serine with phenylalanine at codon 1784 of the ANKRD11 protein (p.Ser1784Phe). The serine residue is weakly conserved and there is a large physicochemical difference between serine and phenylalanine. This variant is present in population databases (rs751323481, ExAC 0.002%). This variant has not been reported in the literature in individuals with ANKRD11-related disease. Algorithms developed to predict the effect of missense changes on protein structure and function are either unavailable or do not agree on the potential impact of this missense change (SIFT: "Tolerated"; PolyPhen-2: "Possibly Damaging"; Align-GVGD: "Class C0"). In summary, the available evidence is currently insufficient to determine the role of this variant in disease. Therefore, it has been classified as a Variant of Uncertain Significance.